The following is an entry in ClinVar:

NM_000875.5(IGF1R):c.2615A>G (p.Gln872Arg)

Gene: IGF1R (insulin like growth factor 1 receptor; plus strand). Cytogenetic location: 15q26.3.
Variant type: single nucleotide variant.
Coding change: c.2615A>G on transcript NM_000875.5 (MANE Select); coding-DNA position 2615, A replaced by G.
Protein change: p.Gln872Arg; replaces glutamine 872 with arginine.
Molecular consequence: missense variant.
Genome position (GRCh38, 1-based): chr15:98,924,005, A>G. VCF-style: chr15-98924005-A-G. GRCh37 (hg19) VCF-style: chr15-99467234-A-G.
Other names: c.2615A>G (NM_000875.3); c.2615A>G, p.Gln872Arg (NM_001291858.2); short protein forms Q872R.
Identifiers: ClinVar variation 2732028 (VCV002732028.5), dbSNP rs1177450000, ClinGen allele CA393681916.
Genomic context (GRCh38, chr15:98,924,005, plus strand): 5'-GGCCGGAACCTGAGAATCCCAATGGATTGATTCTAATGTATGAAATAAAATACGGATCAC[A>G]AGTTGAGGTAGGACTGGGGCAGTGGCCCGTGCCTGCATGTACTTCCATCCATTGACAGCA-3'
Protein context (NP_000866.1, residues 862-882): ILMYEIKYGS[Gln872Arg]VEDQRECVSR

ClinVar aggregate classification (germline): Uncertain significance. Review status: criteria provided, multiple submitters, no conflicts (2 of 4 stars). 3 submissions from 3 submitters: Uncertain significance (3). Last evaluated 2024-11-08.

Allele frequency attached by ClinVar (database versions not stated): gnomAD exomes below 0.00001.
gnomAD v4.1: 3 of 1,614,078 alleles (0.00019%); highest among the groups gnomAD compares: South Asian, 0.0033%; no homozygotes.

Submissions (3):

Labcorp Genetics (formerly Invitae), Labcorp
Classification: Uncertain significance. Last evaluated: 2024-11-08. Review status: criteria provided, single submitter. Criteria: Invitae Variant Classification Sherloc (09022015). Collection method: clinical testing. Allele origin: germline.
Comment: This sequence change replaces glutamine, which is neutral and polar, with arginine, which is basic and polar, at codon 872 of the IGF1R protein (p.Gln872Arg). This variant is present in population databases (no rsID available, gnomAD 0.003%). This variant has not been reported in the literature in individuals affected with IGF1R-related conditions. ClinVar contains an entry for this variant (Variation ID: 2732028). Invitae Evidence Modeling of protein sequence and biophysical properties (such as structural, functional, and spatial information, amino acid conservation, physicochemical variation, residue mobility, and thermodynamic stability) indicates that this missense variant is not expected to disrupt IGF1R protein function with a negative predictive value of 80%. In summary, the available evidence is currently insufficient to determine the role of this variant in disease. Therefore, it has been classified as a Variant of Uncertain Significance.

GeneDx
Classification: Uncertain significance. Last evaluated: 2023-04-16. Review status: criteria provided, single submitter. Criteria: GeneDx Variant Classification Process June 2021. Collection method: clinical testing. Allele origin: germline. Affected: yes.
Comment: In silico analysis supports that this missense variant does not alter protein structure/function; Has not been previously published as pathogenic or benign to our knowledge

Blueprint Genetics
Classification: Uncertain significance. Last evaluated: 2022-10-21. Review status: criteria provided, single submitter. Criteria: ACMG Guidelines, 2015. Collection method: clinical testing. Allele origin: germline.